The following is an entry in ClinVar:

NM_000051.4(ATM):c.1939G>A (p.Glu647Lys)

Gene: ATM (ATM serine/threonine kinase; plus strand). Cytogenetic location: 11q22.3.
Variant type: single nucleotide variant.
Coding change: c.1939G>A on transcript NM_000051.4 (MANE Select); coding-DNA position 1939, G replaced by A.
Protein change: p.Glu647Lys; replaces glutamic acid 647 with lysine.
Molecular consequence: missense variant.
Genome position (GRCh38, 1-based): chr11:108,253,854, G>A. VCF-style: chr11-108253854-G-A. GRCh37 (hg19) VCF-style: chr11-108124581-G-A.
Other names: c.1939G>A, p.Glu647Lys (NM_001351834.2); short protein forms E647K.
Identifiers: ClinVar variation 820367 (VCV000820367.12), dbSNP rs1060501599, ClinGen allele CA382536591.
Genomic context (GRCh38, chr11:108,253,854, plus strand): 5'-AAGATCTTACTTTCTTGAAGTGAACACCACCAAAAAGATAAAGAAGAACTTTCATTCTCA[G>A]AAGTAGAAGAACTATTTCTTCAGACAACTTTTGACAAGATGGACTTTTTAACCATTGTGA-3'
Protein context (NP_000042.3, residues 637-657): QKDKEELSFS[Glu647Lys]VEELFLQTTF

ClinVar aggregate classification (germline): Conflicting classifications of pathogenicity. Review status: criteria provided, conflicting classifications (1 of 4 stars). 2 submissions from 2 submitters: Uncertain significance (1); Likely benign (1). Last evaluated 2025-11-24.

Conditions:
Ataxia-telangiectasia syndrome (AT). Also called: Cerebello-oculocutaneous telangiectasia; Immunodeficiency with ataxia telangiectasia; Ataxia-telangiectasia, complementation group E; Ataxia-telangiectasia, complementation group D; AT, COMPLEMENTATION GROUP C; ATAXIA-TELANGIECTASIA, COMPLEMENTATION GROUP A. Identifiers: Orphanet 100, MedGen C0004135, MONDO:0008840, OMIM 208900.
Hereditary cancer-predisposing syndrome. Also called: Hereditary Cancer Syndrome; Neoplastic Syndromes, Hereditary; Hereditary neoplastic syndrome; Tumor predisposition. Identifiers: Orphanet 140162, MedGen C0027672, MeSH D009386, MONDO:0015356.

gnomAD v4.1: 1 of 1,613,898 alleles (0.000062%); highest among the groups gnomAD compares: Admixed American, 0.0017%; no homozygotes.

Submissions (2):

Ambry Genetics
Classification: Likely benign for Hereditary cancer-predisposing syndrome. Last evaluated: 2025-11-24. Review status: criteria provided, single submitter. Criteria: Ambry Variant Classification Scheme 2023. Collection method: clinical testing. Allele origin: germline.

Labcorp Genetics (formerly Invitae), Labcorp
Classification: Uncertain significance for Ataxia-telangiectasia syndrome. Last evaluated: 2021-11-06. Review status: criteria provided, single submitter. Criteria: Invitae Variant Classification Sherloc (09022015). Collection method: clinical testing. Allele origin: germline.
Comment: In summary, the available evidence is currently insufficient to determine the role of this variant in disease. Therefore, it has been classified as a Variant of Uncertain Significance. Advanced modeling of protein sequence and biophysical properties (such as structural, functional, and spatial information, amino acid conservation, physicochemical variation, residue mobility, and thermodynamic stability) performed at Invitae indicates that this missense variant is not expected to disrupt ATM protein function. ClinVar contains an entry for this variant (Variation ID: 820367). This variant has not been reported in the literature in individuals affected with ATM-related conditions. This variant is not present in population databases (gnomAD no frequency). This sequence change replaces glutamic acid, which is acidic and polar, with lysine, which is basic and polar, at codon 647 of the ATM protein (p.Glu647Lys).